The following is an entry in ClinVar:

ClinVar aggregate classification (germline): Uncertain significance (1 of 4 stars; one submission).

Conditions:
Inborn genetic diseases. Identifiers: MedGen C0950123, MeSH D030342.

gnomAD v4.1: 1 of 1,614,046 alleles (0.000062%); highest among the groups gnomAD compares: Non-Finnish European, 0.000085%; no homozygotes.

Submission:

Ambry Genetics
Classification: Uncertain significance for Inborn genetic diseases. Last evaluated: 2025-10-06. Review status: criteria provided, single submitter. Criteria: Ambry Variant Classification Scheme 2023. Collection method: clinical testing. Allele origin: germline.
Comment: The c.1373T>C (p.I458T) alteration is located in exon 16 (coding exon 12) of the TMC1 gene. This alteration results from a T to C substitution at nucleotide position 1373, causing the isoleucine (I) at amino acid position 458 to be replaced by a threonine (T). Based on data from gnomAD, the C allele has an overall frequency of <0.001% (1/251232) total alleles studied. The highest observed frequency was 0.001% (1/113550) of European (non-Finnish) alleles. Based on insufficient or conflicting evidence, the clinical significance of this alteration remains unclear.

NM_138691.3(TMC1):c.1373T>C (p.Ile458Thr)

Gene: TMC1 (transmembrane channel like 1; plus strand). Cytogenetic location: 9q21.13.
Variant type: single nucleotide variant.
Coding change: c.1373T>C on transcript NM_138691.3 (MANE Select); coding-DNA position 1373, T replaced by C.
Protein change: p.Ile458Thr; replaces isoleucine 458 with threonine.
Molecular consequence: missense variant.
Genome position (GRCh38, 1-based): chr9:72,792,034, T>C. VCF-style: chr9-72792034-T-C. GRCh37 (hg19) VCF-style: chr9-75406950-T-C.
Other names: short protein forms I458T.
Identifiers: ClinVar variation 4633172 (VCV004633172.1).
Genomic context (GRCh38, chr9:72,792,034, plus strand): 5'-CTTTGAAATGGCTACTGGGACGCATTTTTGCTCTTCTTTTAGGCAATTTATACGTATTTA[T>C]TCTTGCATTAATGGATGAGATTAACAACAAGGTAAGCCTTGTTTCTGGATTGTCCTTGCC-3'
Protein context (NP_619636.2, residues 448-468): ALLLGNLYVF[Ile458Thr]LALMDEINNK